The following is an entry in ClinVar:

NM_001039141.3(TRIOBP):c.1591G>C (p.Ala531Pro)

Gene: TRIOBP (TRIO and F-actin binding protein; plus strand). Cytogenetic location: 22q13.1.
Variant type: single nucleotide variant.
Coding change: c.1591G>C on transcript NM_001039141.3 (MANE Select); coding-DNA position 1591, G replaced by C.
Protein change: p.Ala531Pro; replaces alanine 531 with proline.
Molecular consequence: missense variant.
Genome position (GRCh38, 1-based): chr22:37,724,147, G>C. VCF-style: chr22-37724147-G-C. GRCh37 (hg19) VCF-style: chr22-38120154-G-C.
Other names: short protein forms A531P.
Identifiers: ClinVar variation 1655104 (VCV001655104.38), dbSNP rs201112075, ClinGen allele CA10223611.

ClinVar aggregate classification (germline): Benign/Likely benign. Review status: criteria provided, multiple submitters, no conflicts (2 of 4 stars). 4 submissions from 4 submitters: Benign (3); Likely benign (1). Last evaluated 2026-01-19.

Allele frequency attached by ClinVar (database versions not stated): gnomAD exomes 0.00073; 1000 Genomes Project 30x 0.00687; ESP Exome Variant Server 0.00916; 1000 Genomes Project 0.00938.
gnomAD v4.1: 927 of 1,594,156 alleles (0.058%); highest among the groups gnomAD compares: African/African-American, 1.2%; 14 homozygotes.

Submissions (4):

Labcorp Genetics (formerly Invitae), Labcorp
Classification: Benign. Last evaluated: 2026-01-19. Review status: criteria provided, single submitter. Criteria: Invitae Variant Classification Sherloc (09022015). Collection method: clinical testing. Allele origin: germline.

Blueprint Genetics
Classification: Likely benign. Last evaluated: 2024-11-27. Review status: criteria provided, single submitter. Criteria: ACMG Guidelines, 2015. Collection method: clinical testing. Allele origin: germline.

CeGaT Center for Human Genetics Tuebingen
Classification: Benign. Last evaluated: 2024-08-01. Review status: criteria provided, single submitter. Criteria: CeGaT Center For Human Genetics Tuebingen Variant Classification Criteria Version 2. Collection method: clinical testing. Allele origin: germline. Affected: yes. Observed: 2 variant alleles.
Comment: TRIOBP: BP4, BS1, BS2

Breakthrough Genomics
Classification: Benign. Review status: criteria provided, single submitter. Criteria: ACMG Guidelines, 2015. Collection method: not provided. Allele origin: germline. Inheritance: Autosomal recessive inheritance. Affected: yes.